The following is an entry in ClinVar:

NM_000038.6(APC):c.5727G>T (p.Lys1909Asn)

Gene: APC (APC regulator of Wnt signaling pathway; plus strand). Cytogenetic location: 5q22.2.
Variant type: single nucleotide variant.
Coding change: c.5727G>T on transcript NM_000038.6 (MANE Select); coding-DNA position 5727, G replaced by T.
Protein change: p.Lys1909Asn; replaces lysine 1909 with asparagine.
Molecular consequence: missense variant.
Genome position (GRCh38, 1-based): chr5:112,841,321, G>T. VCF-style: chr5-112841321-G-T. GRCh37 (hg19) VCF-style: chr5-112177018-G-T.
Other names: c.5727G>T, p.Lys1909Asn (NM_001127510.3, NM_001354895.2, NM_001407450.1); c.5673G>T, p.Lys1891Asn (NM_001127511.3); c.5781G>T, p.Lys1927Asn (NM_001354896.2, NM_001407447.1, NM_001407448.1 and 1 more transcripts); c.5757G>T, p.Lys1919Asn (NM_001354897.2); c.5652G>T, p.Lys1884Asn (NM_001354898.2); c.5643G>T, p.Lys1881Asn (NM_001354899.2); c.5604G>T, p.Lys1868Asn (NM_001354900.2); c.5550G>T, p.Lys1850Asn (NM_001354901.2, NM_001407453.1); and 11 more; short protein forms K1626N, K1884N, K1902N, K1909N, K1919N, K1927N, K1525N, K1749N.
Identifiers: ClinVar variation 1749308 (VCV001749308.2), dbSNP rs2149947586, ClinGen allele CA16033870.

ClinVar aggregate classification (germline): Uncertain significance (1 of 4 stars; one submission).

Conditions:
Hereditary cancer-predisposing syndrome. Also called: Hereditary Cancer Syndrome; Hereditary neoplastic syndrome; Neoplastic Syndromes, Hereditary; Tumor predisposition. Identifiers: Orphanet 140162, MedGen C0027672, MeSH D009386, MONDO:0015356.

Submission:

Ambry Genetics
Classification: Uncertain significance for Hereditary cancer-predisposing syndrome. Last evaluated: 2022-01-19. Review status: criteria provided, single submitter. Criteria: Ambry Variant Classification Scheme 2023. Collection method: clinical testing. Allele origin: germline.
Comment: The p.K1909N variant (also known as c.5727G>T), located in coding exon 15 of the APC gene, results from a G to T substitution at nucleotide position 5727. The lysine at codon 1909 is replaced by asparagine, an amino acid with similar properties. This amino acid position is conserved. In addition, in silico predictors for this gene do not accurately predict pathogenicity. Since supporting evidence is limited at this time, the clinical significance of this alteration remains unclear.